The following is an entry in ClinVar:

ClinVar aggregate classification (germline): Likely benign (1 of 4 stars; one submission).

Conditions:
Fleck corneal dystrophy (CFD). Also called: CORNEAL DYSTROPHY, FRANCOIS-NEETENS SPECKLED OR FLECKED. Identifiers: Orphanet 98970, MedGen C1562113, MONDO:0007376, OMIM 121850.

Allele frequency attached by ClinVar (database versions not stated): 1000 Genomes Project 0.00020; gnomAD 0.00025 and 0.00026; TOPMed 0.00026; 1000 Genomes Project 30x 0.00031.

Submission:

Illumina Laboratory Services, Illumina
Classification: Likely benign for Fleck corneal dystrophy. Last evaluated: 2017-04-27. Review status: criteria provided, single submitter. Criteria: ICSL Variant Classification Criteria 13 December 2019. Collection method: clinical testing. Allele origin: germline.
Comment: This variant was observed as part of a predisposition screen in an ostensibly healthy population. A literature search was performed for the gene, cDNA change, and amino acid change (where applicable). No publications were found based on this search. Allele frequency data from public databases allowed determination this variant is unlikely to cause disease. Therefore, this variant is classified as likely benign.

NM_015040.4(PIKFYVE):c.-10+5G>A

Genes: PIKFYVE (phosphoinositide kinase, FYVE-type zinc finger containing; plus strand), LOC129935518 (ATAC-STARR-seq lymphoblastoid silent region 12289; plus strand). Cytogenetic location: 2q34.
Variant type: single nucleotide variant.
Coding change: c.-10+5G>A on transcript NM_015040.4 (MANE Select); 5 bases into the intron after 10 bases upstream of the start codon, G replaced by A.
Molecular consequence: intron variant.
Genome position (GRCh38, 1-based): chr2:208,266,420, G>A. VCF-style: chr2-208266420-G-A. GRCh37 (hg19) VCF-style: chr2-209131144-G-A.
Other names: c.-10+5G>A (NM_001178000.2, NM_152671.4).
Identifiers: ClinVar variation 333882 (VCV000333882.5), dbSNP rs541362896, ClinGen allele CA10612222.